The following is an entry in ClinVar:

NM_015909.4(NBAS):c.6237-1G>T

Gene: NBAS (NBAS subunit of NRZ tethering complex; minus strand). Cytogenetic location: 2p24.3.
Variant type: single nucleotide variant.
Coding change: c.6237-1G>T on transcript NM_015909.4 (MANE Select); the canonical splice acceptor site of the intron before coding-DNA position 6237, G replaced by T.
Molecular consequence: splice acceptor variant.
Genome position (GRCh38, 1-based): chr2:15,218,969, C>A on the plus strand (G>T on the coding strand, the complement: NBAS is on the minus strand). VCF-style: chr2-15218969-C-A. GRCh37 (hg19) VCF-style: chr2-15359093-C-A.
Identifiers: ClinVar variation 3662912 (VCV003662912.2).

ClinVar aggregate classification (germline): Likely pathogenic (1 of 4 stars; one submission).

gnomAD v4.1: 1 of 1,614,250 alleles (0.000062%); highest among the groups gnomAD compares: Non-Finnish European, 0.000085%; no homozygotes.

Submission:

Labcorp Genetics (formerly Invitae), Labcorp
Classification: Likely pathogenic. Last evaluated: 2025-10-27. Review status: criteria provided, single submitter. Criteria: Invitae Variant Classification Sherloc (09022015). Collection method: clinical testing. Allele origin: germline.
Comment: This sequence change affects an acceptor splice site in intron 47 of the NBAS gene. It is expected to disrupt RNA splicing. Variants that disrupt the donor or acceptor splice site typically lead to a loss of protein function (PMID: 16199547), and loss-of-function variants in NBAS are known to be pathogenic (PMID: 26073778, 26541327, 27789416, 28031453). This variant is not present in population databases (gnomAD no frequency). This variant has not been reported in the literature in individuals affected with NBAS-related conditions. ClinVar contains an entry for this variant (Variation ID: 3662912). Algorithms developed to predict the effect of sequence changes on RNA splicing suggest that this variant may disrupt the consensus splice site. In summary, the currently available evidence indicates that the variant is pathogenic, but additional data are needed to prove that conclusively. Therefore, this variant has been classified as Likely Pathogenic.

Literature cited by the submitters: PubMed 16199547; PubMed 26073778; PubMed 26541327; PubMed 27789416; PubMed 28031453.